The following is an entry in ClinVar:

NM_001370259.2(MEN1):c.446-1G>C

Gene: MEN1 (menin 1; minus strand). Cytogenetic location: 11q13.1.
Variant type: single nucleotide variant.
Coding change: c.446-1G>C on transcript NM_001370259.2 (MANE Select); the canonical splice acceptor site of the intron before coding-DNA position 446, G replaced by C.
Molecular consequence: splice acceptor variant.
Genome position (GRCh38, 1-based): chr11:64,808,100, C>G on the plus strand (G>C on the coding strand, the complement: MEN1 is on the minus strand). VCF-style: chr11-64808100-C-G. GRCh37 (hg19) VCF-style: chr11-64575572-C-G.
Other names: c.461-1G>C (NM_130804.3, NM_130803.3, NM_000244.4 and 5 more transcripts); c.446-1G>C (NM_001407148.1, NM_130799.3, NM_001407144.1 and 12 more transcripts).
Identifiers: ClinVar variation 662500 (VCV000662500.9), dbSNP rs1064793672, ClinGen allele CA381186353.
Genomic context (GRCh38, chr11:64,808,100, plus strand): 5'-CCAGGGCCTGGCAGGCCCCAACCACAGCAAAGGCCACACCGGAGCTGTCCAATTTGGTGC[C>G]TGTGGAAGGGGGAGGTAATGAAAGAGGGTCCTCTGTGCTTTAACATGGGGAAAGGGGGCC-3'

ClinVar aggregate classification (germline): Pathogenic (1 of 4 stars; one submission).

Conditions:
Multiple endocrine neoplasia, type 1 (MEN1). Also called: MEA I; MEN I; WERMER SYNDROME; Endocrine adenomatosis multiple; MEN 1. Identifiers: Orphanet 652, MedGen C0025267, MeSH D018761, MONDO:0007540, OMIM 131100.

Submission:

Labcorp Genetics (formerly Invitae), Labcorp
Classification: Pathogenic for Multiple endocrine neoplasia, type 1. Last evaluated: 2018-12-05. Review status: criteria provided, single submitter. Criteria: Invitae Variant Classification Sherloc (09022015). Collection method: clinical testing. Allele origin: germline.
Comment: This sequence change affects an acceptor splice site in intron 2 of the MEN1 gene. It is expected to disrupt RNA splicing and likely results in an absent or disrupted protein product. This variant is not present in population databases (ExAC no frequency). Disruption of this splice site has been observed in individuals affected with multiple endocrine neoplasia type 1 (MEN1) syndrome (Invitae). Donor and acceptor splice site variants typically lead to a loss of protein function (PMID: 16199547), and loss-of-function variants in MEN1 are known to be pathogenic (PMID: 12112656, 17853334). For these reasons, this variant has been classified as Pathogenic.

Literature cited by the submitters: PubMed 16199547; PubMed 12112656; PubMed 17853334.